The following is an entry in ClinVar:

ClinVar aggregate classification (germline): Pathogenic (1 of 4 stars; one submission).

Conditions:
Myopathy, proximal, and ophthalmoplegia (CMYO6). Also called: MYOPATHY WITH CONGENITAL JOINT CONTRACTURES, OPHTHALMOPLEGIA, AND RIMMED VACUOLES; CONGENITAL MYOPATHY 6 WITH OPHTHALMOPLEGIA; INCLUSION BODY MYOPATHY 3, AUTOSOMAL DOMINANT. Identifiers: Orphanet 363677, Orphanet 79091, MedGen C1854106, MONDO:0011577, OMIM 605637.

Submission:

Labcorp Genetics (formerly Invitae), Labcorp
Classification: Pathogenic for Myopathy, proximal, and ophthalmoplegia. Last evaluated: 2025-09-16. Review status: criteria provided, single submitter. Criteria: Invitae Variant Classification Sherloc (09022015). Collection method: clinical testing. Allele origin: germline.
Comment: This sequence change creates a premature translational stop signal (p.Asp1714Glyfs*4) in the MYH2 gene. It is expected to result in an absent or disrupted protein product. Loss-of-function variants in MYH2 are known to be pathogenic (PMID: 20418530, 23388406, 24193343). This variant is not present in population databases (gnomAD no frequency). This variant has not been reported in the literature in individuals affected with MYH2-related conditions. For these reasons, this variant has been classified as Pathogenic.

Literature cited by the submitters: PubMed 20418530; PubMed 23388406; PubMed 24193343.

NM_017534.6(MYH2):c.5138dup (p.Asp1714fs)

Genes: MYH2 (myosin heavy chain 2; minus strand), MYHAS (myosin heavy chain gene cluster antisense RNA; plus strand). Cytogenetic location: 17p13.1.
Variant type: Duplication.
Coding change: c.5138dup on transcript NM_017534.6 (MANE Select); coding-DNA position 5138, one base duplicated (T; older notation c.5138dupT).
Protein change: p.Asp1714fs; shifts the reading frame from aspartic acid 1714.
Molecular consequence: frameshift variant.
Genome position (GRCh38, 1-based): chr17:10,524,503, A duplicated on the plus strand (T on the coding strand, the reverse complement: MYH2 is on the minus strand). VCF-style (leftmost placement, unchanged base first): chr17-10524502-C-CA. GRCh37 (hg19) VCF-style: chr17-10427819-C-CA.
Other names: c.5138dup, p.Asp1714fs (NM_001100112.2); short protein forms D1714fs.
Identifiers: ClinVar variation 4727348 (VCV004727348.1).
Genomic context (GRCh38, chr17:10,524,502, plus strand): 5'-AGAGTTCTTTGTGCTGAATCCCACCTGGGTGTGCAGTAGCTGAACACGCTCACTGGCATC[C>CA]AGGAGCTCCTGTTCTGCGATTTTTCTGCTCCTCTCTGTCTGTTCCAGAGTGGCCCGCAGC-3'